The following is an entry in ClinVar:

ClinVar aggregate classification (germline): Uncertain significance. Review status: criteria provided, multiple submitters, no conflicts (2 of 4 stars). 2 submissions from 2 submitters: Uncertain significance (2). Last evaluated 2024-10-07.

Allele frequency attached by ClinVar (database versions not stated): gnomAD exomes 0.00001; TOPMed 0.00001; gnomAD 0.00002; ExAC 0.00007.
gnomAD v4.1: 19 of 1,574,932 alleles (0.0012%); highest among the groups gnomAD compares: Middle Eastern, 0.017%; no homozygotes.

Submissions (2):

Blueprint Genetics
Classification: Uncertain significance. Last evaluated: 2024-10-07. Review status: criteria provided, single submitter. Criteria: ACMG Guidelines, 2015. Collection method: clinical testing. Allele origin: germline.

ARUP Laboratories, Molecular Genetics and Genomics, ARUP Laboratories
Classification: Uncertain significance. Last evaluated: 2018-07-19. Review status: criteria provided, single submitter. Criteria: ARUP Molecular Germline Variant Investigation Process. Collection method: clinical testing. Allele origin: germline.
Comment: The POR c.554A>G; p.Asn185Ser variant (rs782763044), to our knowledge, has not been described in the medical literature or in gene-specific databases. It is observed in the South Asian population at an overall frequency of 0.0082% (2/24484 alleles) in the Genome Aggregation Database, but is considered a low confidence variant in the database. The asparagine at codon 185 is highly conserved and computational algorithms (PolyPhen-2, SIFT) predict that this variant is deleterious. However, due to the lack of clinical and functional data regarding this variant, its clinical significance cannot be determined with certainty.

NM_001395413.1(POR):c.545A>G (p.Asn182Ser)

Gene: POR (cytochrome p450 oxidoreductase; plus strand). Cytogenetic location: 7q11.23.
Variant type: single nucleotide variant.
Coding change: c.545A>G on transcript NM_001395413.1 (MANE Select); coding-DNA position 545, A replaced by G.
Protein change: p.Asn182Ser; replaces asparagine 182 with serine.
Molecular consequence: missense variant.
Genome position (GRCh38, 1-based): chr7:75,981,085, A>G. VCF-style: chr7-75981085-A-G. GRCh37 (hg19) VCF-style: chr7-75610403-A-G.
Other names: c.545A>G, p.Asn182Ser (NM_001367562.3, NM_001382657.2, NM_001382658.3 and 2 more transcripts); c.599A>G, p.Asn200Ser (NM_001382655.3); short protein forms N182S, N200S.
Identifiers: ClinVar variation 811085 (VCV000811085.9), dbSNP rs782763044, ClinGen allele CA4303722.